The following is an entry in ClinVar:

NM_000441.2(SLC26A4):c.838G>A (p.Val280Ile)

Gene: SLC26A4 (solute carrier family 26 member 4; plus strand). Cytogenetic location: 7q22.3.
Variant type: single nucleotide variant.
Coding change: c.838G>A on transcript NM_000441.2 (MANE Select); coding-DNA position 838, G replaced by A.
Protein change: p.Val280Ile; replaces valine 280 with isoleucine.
Molecular consequence: missense variant.
Genome position (GRCh38, 1-based): chr7:107,683,274, G>A. VCF-style: chr7-107683274-G-A. GRCh37 (hg19) VCF-style: chr7-107323719-G-A.
Other names: short protein forms V280I.
Identifiers: ClinVar variation 2174256 (VCV002174256.4), dbSNP rs144045516, ClinGen allele CA4432591.

ClinVar aggregate classification (germline): Uncertain significance (1 of 4 stars; one submission).

Allele frequency attached by ClinVar (database versions not stated): TOPMed below 0.00001; ExAC 0.00001; gnomAD 0.00001; ESP Exome Variant Server 0.00008.
gnomAD v4.1: 7 of 1,613,280 alleles (0.00043%); highest among the groups gnomAD compares: Non-Finnish European, 0.00059%; no homozygotes.

Submission:

Labcorp Genetics (formerly Invitae), Labcorp
Classification: Uncertain significance. Last evaluated: 2024-10-23. Review status: criteria provided, single submitter. Criteria: Invitae Variant Classification Sherloc (09022015). Collection method: clinical testing. Allele origin: germline.
Comment: This sequence change replaces valine, which is neutral and non-polar, with isoleucine, which is neutral and non-polar, at codon 280 of the SLC26A4 protein (p.Val280Ile). This variant is present in population databases (rs144045516, gnomAD 0.0009%). This variant has not been reported in the literature in individuals affected with SLC26A4-related conditions. ClinVar contains an entry for this variant (Variation ID: 2174256). An algorithm developed to predict the effect of missense changes on protein structure and function outputs the following: PolyPhen-2: "Benign". The isoleucine amino acid residue is found in multiple mammalian species, which suggests that this missense change does not adversely affect protein function. In summary, the available evidence is currently insufficient to determine the role of this variant in disease. Therefore, it has been classified as a Variant of Uncertain Significance.